The following is an entry in ClinVar:

ClinVar aggregate classification (germline): Likely benign (1 of 4 stars; one submission).

Allele frequency attached by ClinVar (database versions not stated): 1000 Genomes Project 0.00300; 1000 Genomes Project 30x 0.00328; gnomAD 0.00581; TOPMed 0.00714.
gnomAD v4.1: 896 of 152,040 alleles (0.59%); highest among the groups gnomAD compares: Middle Eastern, 3.1%; 2 homozygotes.

Submission:

CeGaT Center for Human Genetics Tuebingen
Classification: Likely benign. Last evaluated: 2022-11-01. Review status: criteria provided, single submitter. Criteria: CeGaT Center For Human Genetics Tuebingen Variant Classification Criteria Version 2. Collection method: clinical testing. Allele origin: germline. Affected: yes. Observed: 1 variant allele.
Comment: AGK: BS1

NM_018238.4(AGK):c.588+2394C>T

Gene: AGK (acylglycerol kinase; plus strand). Cytogenetic location: 7q34.
Variant type: single nucleotide variant.
Coding change: c.588+2394C>T on transcript NM_018238.4 (MANE Select); 2394 bases into the intron after coding-DNA position 588, C replaced by T.
Molecular consequence: intron variant.
Genome position (GRCh38, 1-based): chr7:141,624,195, C>T. VCF-style: chr7-141624195-C-T. GRCh37 (hg19) VCF-style: chr7-141323995-C-T.
Other names: c.588+2394C>T (NM_001364948.3).
Identifiers: ClinVar variation 2658095 (VCV002658095.24), dbSNP rs192126189, ClinGen allele CA168050275.